The following is an entry in ClinVar:

ClinVar aggregate classification (germline): Pathogenic. Review status: criteria provided, multiple submitters, no conflicts (2 of 4 stars). 2 submissions from 2 submitters: Pathogenic (2). Last evaluated 2025-12-04.

Conditions:
COL4A4-related disorder.

Submissions (2):

PreventionGenetics, part of Exact Sciences
Classification: Pathogenic for COL4A4-related condition. Last evaluated: 2025-12-04. Review status: criteria provided, single submitter. Criteria: ACMG Guidelines, 2015. Collection method: clinical testing. Allele origin: germline.
Comment: The COL4A4 c.794_804del11 variant is predicted to result in premature protein termination (p.Phe265*). This variant has been reported in the heterozygous state in an individual with autosomal dominant COL4A4-related phenotype (Mastrangelo et al. 2022. PubMed ID: 35090027). This variant has not been reported in a large population database (gnomAD), indicating this variant is rare. Nonsense COL4A4 variants are expected to be pathogenic for both autosomal dominant and recessive COL4A4-related disorders. This variant is interpreted as pathogenic for both autosomal dominant and recessive COL4A4-related disorders.

Labcorp Genetics (formerly Invitae), Labcorp
Classification: Pathogenic. Last evaluated: 2020-09-23. Review status: criteria provided, single submitter. Criteria: Invitae Variant Classification Sherloc (09022015). Collection method: clinical testing. Allele origin: germline.
Comment: This sequence change creates a premature translational stop signal (p.Phe265*) in the COL4A4 gene. It is expected to result in an absent or disrupted protein product. This variant is not present in population databases (ExAC no frequency). This variant has not been reported in the literature in individuals with COL4A4-related conditions. Loss-of-function variants in COL4A4 are known to be pathogenic (PMID: 21196518, 24854265, 25307543). For these reasons, this variant has been classified as Pathogenic.

Literature cited by the submitters: PubMed 21196518 (cited by Labcorp Genetics (formerly Invitae), Labcorp); PubMed 24854265 (cited by Labcorp Genetics (formerly Invitae), Labcorp); PubMed 25307543 (cited by Labcorp Genetics (formerly Invitae), Labcorp).

NM_000092.5(COL4A4):c.794_804del (p.Asp264_Phe265insTer)

Gene: COL4A4 (collagen type IV alpha 4 chain; minus strand). Cytogenetic location: 2q36.3.
Variant type: Deletion.
Coding change: c.794_804del on transcript NM_000092.5 (MANE Select); coding-DNA positions 794 to 804, 11 bases deleted (TTTGTCTCTAT).
Protein change: p.Asp264_Phe265insTer.
Molecular consequence: nonsense.
Genome position (GRCh38, 1-based): chr2:227,103,984-227,103,994, ATAGAGACAAA deleted on the plus strand (TTTGTCTCTAT on the coding strand, the reverse complement: COL4A4 is on the minus strand); deleting any 11 consecutive bases within chr2:227,103,984-227,103,995 gives the same sequence; the c. name uses the placement nearest the transcript's 3' end. VCF-style (leftmost placement, unchanged base first): chr2-227103983-TATAGAGACAAA-T. GRCh37 (hg19) VCF-style: chr2-227968699-TATAGAGACAAA-T.
Other names: c.794_804del11 (NM_000092.4).
Identifiers: ClinVar variation 1076015 (VCV001076015.9), dbSNP rs2150805456, ClinGen allele CA2499215721.
Genomic context (GRCh38, chr2:227,103,983, plus strand): 5'-ATATTTTCTACTGCTACTTTCCAAGGTGACATATGGATTTGGGAATTACCTTTTCTCCTT[TATAGAGACAAA>T]AGTCAGGTGGCTCTACCAACAGGGTGGGTCCAGGAGAACCTTGCTGACCAACCTCACCCT-3'